The following is an entry in ClinVar:

ClinVar aggregate classification (germline): Uncertain significance. Review status: criteria provided, multiple submitters, no conflicts (2 of 4 stars). 3 submissions from 3 submitters: Uncertain significance (3). Last evaluated 2023-03-02.

Conditions:
Dilated cardiomyopathy 1GG (CMD1GG). Identifiers: Orphanet 154, MedGen C3150898, MONDO:0013339, OMIM 613642.
Neurodegeneration with ataxia and late-onset optic atrophy. Identifiers: MedGen C5543254, MONDO:0031006, OMIM 619259.
Mitochondrial complex II deficiency, nuclear type 1. Also called: SUCCINATE CoQ REDUCTASE DEFICIENCY. Identifiers: Orphanet 3208, MedGen C5700310, MONDO:0100294, OMIM 252011.
Pheochromocytoma/paraganglioma syndrome 5. Also called: SDHA-Related Hereditary Paraganglioma-Pheochromocytoma Syndrome; Paragangliomas 5. Identifiers: Orphanet 29072, MedGen C3279992, MONDO:0013602, OMIM 614165.
Hereditary cancer-predisposing syndrome. Also called: Neoplastic Syndromes, Hereditary; Hereditary Cancer Syndrome; Tumor predisposition; Hereditary neoplastic syndrome. Identifiers: Orphanet 140162, MedGen C0027672, MeSH D009386, MONDO:0015356.

Allele frequency attached by ClinVar (database versions not stated): gnomAD exomes below 0.00001; gnomAD 0.00001.
gnomAD v4.1: 2 of 1,613,580 alleles (0.00012%); highest among the groups gnomAD compares: East Asian, 0.0022%; no homozygotes.

Submissions (3):

Ambry Genetics
Classification: Uncertain significance for Hereditary cancer-predisposing syndrome. Last evaluated: 2023-03-02. Review status: criteria provided, single submitter. Criteria: Ambry Variant Classification Scheme 2023. Collection method: clinical testing. Allele origin: germline.
Comment: The p.P643R variant (also known as c.1928C>G), located in coding exon 15 of the SDHA gene, results from a C to G substitution at nucleotide position 1928. The proline at codon 643 is replaced by arginine, an amino acid with dissimilar properties. This amino acid position is conserved. In addition, this alteration is predicted to be tolerated by in silico analysis. Since supporting evidence is limited at this time, the clinical significance of this alteration remains unclear.

Fulgent Genetics
Classification: Uncertain significance for Mitochondrial complex II deficiency, nuclear type 1; Dilated cardiomyopathy 1GG; Pheochromocytoma/paraganglioma syndrome 5; Neurodegeneration with ataxia and late-onset optic atrophy. Last evaluated: 2021-10-04. Review status: criteria provided, single submitter. Criteria: ACMG Guidelines, 2015. Collection method: clinical testing. Allele origin: unknown.

Labcorp Genetics (formerly Invitae), Labcorp
Classification: Uncertain significance for Pheochromocytoma/paraganglioma syndrome 5; Mitochondrial complex II deficiency, nuclear type 1. Last evaluated: 2021-07-17. Review status: criteria provided, single submitter. Criteria: Invitae Variant Classification Sherloc (09022015). Collection method: clinical testing. Allele origin: germline.
Comment: Algorithms developed to predict the effect of missense changes on protein structure and function (SIFT, PolyPhen-2, Align-GVGD) all suggest that this variant is likely to be tolerated, but these predictions have not been confirmed by published functional studies. In summary, this variant is a novel missense change that is not predicted to affect protein function. There is no indication that it causes disease, but the available evidence is currently insufficient to prove that conclusively. Therefore, it has been classified as a Variant of Uncertain Significance. This variant is not present in population databases (ExAC no frequency) and has not been reported in the literature in individuals with a SDHA-related disease. This sequence change replaces proline with arginine at codon 643 of the SDHA protein (p.Pro643Arg). The proline residue is highly conserved and there is a moderate physicochemical difference between proline and arginine.

NM_004168.4(SDHA):c.1928C>G (p.Pro643Arg)

Gene: SDHA (succinate dehydrogenase complex flavoprotein subunit A; plus strand). Cytogenetic location: 5p15.33.
Variant type: single nucleotide variant.
Coding change: c.1928C>G on transcript NM_004168.4 (MANE Select); coding-DNA position 1928, C replaced by G.
Protein change: p.Pro643Arg; replaces proline 643 with arginine.
Molecular consequence: missense variant.
Genome position (GRCh38, 1-based): chr5:256,353, C>G. VCF-style: chr5-256353-C-G. GRCh37 (hg19) VCF-style: chr5-256468-C-G.
Other names: c.1784C>G, p.Pro595Arg (NM_001294332.2); c.1685C>G, p.Pro562Arg (NM_001330758.2); short protein forms P643R, P562R, P595R.
Identifiers: ClinVar variation 412372 (VCV000412372.13), dbSNP rs1060503717, ClinGen allele CA16612063.
Genomic context (GRCh38, chr5:256,353, plus strand): 5'-ACATTTTTGTGCTTAACTTACCACTGACTCTTCTTTTCAAGGTCACTCTGGAATATAGAC[C>G]CGTGATCGACAAAACTTTGAACGAGGCTGACTGTGCCACCGTCCCGCCAGCCATTCGCTC-3'
Protein context (NP_004159.2, residues 633-653): GTGKVTLEYR[Pro643Arg]VIDKTLNEAD